The following is an entry in ClinVar:

NM_007294.4(BRCA1):c.126A>C (p.Ile42=)

Gene: BRCA1 (BRCA1 DNA repair associated; minus strand). Cytogenetic location: 17q21.31.
Variant type: single nucleotide variant.
Coding change: c.126A>C on transcript NM_007294.4 (MANE Select); coding-DNA position 126, A replaced by C.
Protein change: p.Ile42=; no amino-acid change (isoleucine 42 retained).
Molecular consequence: synonymous variant. On other transcripts: 5 prime UTR variant (132), intron variant (41).
Genome position (GRCh38, 1-based): chr17:43,115,734, T>G on the plus strand (A>C on the coding strand, the complement: BRCA1 is on the minus strand). VCF-style: chr17-43115734-T-G. GRCh37 (hg19) VCF-style: chr17-41267751-T-G.
Other names: c.126A>C, p.Ile42= (NM_001408442.1, NM_001408443.1, NM_001408444.1 and 192 more transcripts); c.-16A>C (NM_001408452.1, NM_001408453.1, NM_001408458.1 and 47 more transcripts); c.-132A>C (NM_001408455.1, NM_001408456.1, NM_001408468.1 and 13 more transcripts); c.-136A>C (NM_001408465.1, NM_001407695.1); c.-63A>C (NM_001408478.1, NM_001408479.1, NM_001408480.1 and 52 more transcripts); c.-179A>C (NM_001408492.1, NM_001407889.1, NM_001407900.1); c.-178A>C (NM_001408510.1, NM_001408512.1, NM_001407960.1 and 1 more transcripts); c.-219+9543A>C (NM_001407967.1); and 10 more.
Identifiers: ClinVar variation 867508 (VCV000867508.3), dbSNP rs2055246676, ClinGen allele CA500129986.
Genomic context (GRCh38, chr17:43,115,734, plus strand): 5'-AAGGACAAAAACAAAAGCTAATAATGGAGCCACATAACACATTCAAACTTACTTGCAAAA[T>G]ATGTGGTCACACTTTGTGGAGACAGGTTCCTTGATCAACTCCAGACTAGCAGGGTAGGGG-3'
Protein context (NP_009225.1, residues 32-52): KEPVSTKCDH[Ile42=]FCKFCMLKLL

Conditions:
Breast-ovarian cancer, familial, susceptibility to, 1 (BROVCA1). Also called: BRCA1 Hereditary Breast and Ovarian Cancer; OVARIAN CANCER, SUSCEPTIBILITY TO. Identifiers: Orphanet 145, MedGen C2676676, MONDO:0011450, OMIM 604370. Disease mechanism: loss of function.

Submission:

Brotman Baty Institute, University of Washington
No classification provided (evidence only). Condition: Breast-ovarian cancer, familial 1. Review status: no classification provided. Collection method: in vitro. Allele origin: not applicable. Functional consequence: functionally_normal.
ClinVar note: "not provided" was previously submitted as the classification for the variant. However, the classification appeared to be based only on an observation of functional data so it was converted to no classification on 2025-07-30.